The following is an entry in ClinVar:

NM_003823.4(TNFRSF6B):c.608C>T (p.Thr203Ile)

Genes: RTEL1-TNFRSF6B (RTEL1-TNFRSF6B readthrough (NMD candidate); plus strand), TNFRSF6B (TNF receptor superfamily member 6b; plus strand). Cytogenetic location: 20q13.33.
Variant type: single nucleotide variant.
Coding change: c.608C>T on transcript NM_003823.4 (MANE Select); coding-DNA position 608, C replaced by T.
Protein change: p.Thr203Ile; replaces threonine 203 with isoleucine.
Molecular consequence: missense variant. On other transcripts: non-coding transcript variant (1).
Genome position (GRCh38, 1-based): chr20:63,697,511, C>T. VCF-style: chr20-63697511-C-T. GRCh37 (hg19) VCF-style: chr20-62328864-C-T.
Other names: c.608C>T (NM_003823.3); short protein forms T203I.
Identifiers: ClinVar variation 2792091 (VCV002792091.4), dbSNP rs1049074867, ClinGen allele CA317535039.

ClinVar aggregate classification (germline): Uncertain significance. Review status: criteria provided, multiple submitters, no conflicts (2 of 4 stars). 2 submissions from 2 submitters: Uncertain significance (2). Last evaluated 2025-02-05.

Submissions (2):

Ambry Genetics
Classification: Uncertain significance. Last evaluated: 2025-02-05. Review status: criteria provided, single submitter. Criteria: Ambry Variant Classification Scheme 2023. Collection method: clinical testing. Allele origin: germline.

Labcorp Genetics (formerly Invitae), Labcorp
Classification: Uncertain significance. Last evaluated: 2022-11-17. Review status: criteria provided, single submitter. Criteria: Invitae Variant Classification Sherloc (09022015). Collection method: clinical testing. Allele origin: germline.
Comment: This sequence change replaces threonine, which is neutral and polar, with isoleucine, which is neutral and non-polar, at codon 203 of the TNFRSF6B protein (p.Thr203Ile). This variant is not present in population databases (gnomAD no frequency). This variant has not been reported in the literature in individuals affected with TNFRSF6B-related conditions. Algorithms developed to predict the effect of missense changes on protein structure and function are either unavailable or do not agree on the potential impact of this missense change (SIFT: "Deleterious"; PolyPhen-2: "Benign"; Align-GVGD: "Class C0"). In summary, the available evidence is currently insufficient to determine the role of this variant in disease. Therefore, it has been classified as a Variant of Uncertain Significance.